The following is an entry in ClinVar:

NM_173630.4(RTTN):c.4910G>A (p.Arg1637Gln)

Gene: RTTN (rotatin; minus strand). Cytogenetic location: 18q22.2.
Variant type: single nucleotide variant.
Coding change: c.4910G>A on transcript NM_173630.4 (MANE Select); coding-DNA position 4910, G replaced by A.
Protein change: p.Arg1637Gln; replaces arginine 1637 with glutamine.
Molecular consequence: missense variant.
Genome position (GRCh38, 1-based): chr18:70,059,880, C>T on the plus strand (G>A on the coding strand, the complement: RTTN is on the minus strand). VCF-style: chr18-70059880-C-T. GRCh37 (hg19) VCF-style: chr18-67727116-C-T.
Other names: c.2174G>A, p.Arg725Gln (NM_001318520.2); c.4910G>A (NM_173630.3); short protein forms R725Q, R1637Q.
Identifiers: ClinVar variation 1912974 (VCV001912974.4), dbSNP rs755671269, ClinGen allele CA8995109.

ClinVar aggregate classification (germline): Conflicting classifications of pathogenicity. Review status: criteria provided, conflicting classifications (1 of 4 stars). 2 submissions from 2 submitters: Uncertain significance (1); Likely benign (1). Last evaluated 2023-06-28.

Conditions:
Inborn genetic diseases. Identifiers: MedGen C0950123, MeSH D030342.

Allele frequency attached by ClinVar (database versions not stated): gnomAD exomes 0.00001; ExAC 0.00002; TOPMed 0.00002; gnomAD 0.00004.
gnomAD v4.1: 24 of 1,609,920 alleles (0.0015%); highest among the groups gnomAD compares: African/African-American, 0.011%; no homozygotes.

Submissions (2):

Ambry Genetics
Classification: Likely benign for Inborn genetic diseases. Last evaluated: 2023-06-28. Review status: criteria provided, single submitter. Criteria: Ambry Variant Classification Scheme 2023. Collection method: clinical testing. Allele origin: germline.

Labcorp Genetics (formerly Invitae), Labcorp
Classification: Uncertain significance. Last evaluated: 2022-07-30. Review status: criteria provided, single submitter. Criteria: Invitae Variant Classification Sherloc (09022015). Collection method: clinical testing. Allele origin: germline.
Comment: This sequence change replaces arginine, which is basic and polar, with glutamine, which is neutral and polar, at codon 1637 of the RTTN protein (p.Arg1637Gln). This variant is present in population databases (rs755671269, gnomAD 0.008%). This variant has not been reported in the literature in individuals affected with RTTN-related conditions. Algorithms developed to predict the effect of missense changes on protein structure and function output the following: SIFT: "Tolerated"; PolyPhen-2: "Benign"; Align-GVGD: "Class C0". The glutamine amino acid residue is found in multiple mammalian species, which suggests that this missense change does not adversely affect protein function. In summary, the available evidence is currently insufficient to determine the role of this variant in disease. Therefore, it has been classified as a Variant of Uncertain Significance.